The following is an entry in ClinVar:

ClinVar aggregate classification (germline): Benign/Likely benign. Review status: criteria provided, multiple submitters, no conflicts (2 of 4 stars). 2 submissions from 2 submitters: Benign (1); Likely benign (1). Last evaluated 2026-01-14.

Allele frequency attached by ClinVar (database versions not stated): 1000 Genomes Project 0.00260; ESP Exome Variant Server 0.00262; TOPMed 0.00357.
gnomAD v4.1: 1,361 of 765,298 alleles (0.18%); highest among the groups gnomAD compares: African/African-American, 0.88%; 3 homozygotes.

Submissions (2):

Labcorp Genetics (formerly Invitae), Labcorp
Classification: Benign. Last evaluated: 2026-01-14. Review status: criteria provided, single submitter. Criteria: Invitae Variant Classification Sherloc (09022015). Collection method: clinical testing. Allele origin: germline.

CeGaT Center for Human Genetics Tuebingen
Classification: Likely benign. Last evaluated: 2025-11-01. Review status: criteria provided, single submitter. Criteria: CeGaT Center For Human Genetics Tuebingen Variant Classification Criteria Version 2. Collection method: clinical testing. Allele origin: germline. Affected: yes. Observed: 8 variant alleles.
Comment: SNORD118: BS2; TMEM107: BS2

NR_033294.2(SNORD118):n.31C>T

Genes: SNORD118 (small nucleolar RNA, C/D box 118; minus strand), TMEM107 (transmembrane protein 107; minus strand). Cytogenetic location: 17p13.1.
Variant type: single nucleotide variant.
Molecular consequence: non-coding transcript variant (on NR_033294.2). On other transcripts: 3 prime UTR variant (5).
Genome position: GRCh38 VCF-style: chr17-8173558-G-A. GRCh37 (hg19) VCF-style: chr17-8076876-G-A.
Other names: c.*645C>T (NM_001351278.2, NM_001351279.2, NM_001351280.2 and 2 more transcripts).
Identifiers: ClinVar variation 808224 (VCV000808224.47), dbSNP rs112608031, ClinGen allele CA8370782.